The following is an entry in ClinVar:

ClinVar aggregate classification (germline): Uncertain significance (1 of 4 stars; one submission).

Conditions:
Pierson syndrome. Also called: MICROCORIA-CONGENITAL NEPHROTIC SYNDROME. Identifiers: Orphanet 2670, MedGen C1836876, MONDO:0012184, OMIM 609049.
LAMB2-related infantile-onset nephrotic syndrome. Also called: Nephrotic Syndrome, type 5; NEPHROTIC SYNDROME, TYPE 5, WITHOUT OCULAR ABNORMALITIES; NEPHROTIC SYNDROME, TYPE 5, WITH OCULAR ABNORMALITIES. Identifiers: Orphanet 306507, MedGen C3280113, MONDO:0013621, OMIM 614199.

Allele frequency attached by ClinVar (database versions not stated): gnomAD exomes below 0.00001; ExAC 0.00001; gnomAD 0.00001; TOPMed 0.00001.
gnomAD v4.1: 5 of 1,613,918 alleles (0.00031%); highest among the groups gnomAD compares: African/African-American, 0.0013%; no homozygotes.

Submission:

Labcorp Genetics (formerly Invitae), Labcorp
Classification: Uncertain significance for LAMB2-related infantile-onset nephrotic syndrome; Pierson syndrome. Last evaluated: 2022-03-09. Review status: criteria provided, single submitter. Criteria: Invitae Variant Classification Sherloc (09022015). Collection method: clinical testing. Allele origin: germline.
Comment: This sequence change replaces arginine, which is basic and polar, with histidine, which is basic and polar, at codon 439 of the LAMB2 protein (p.Arg439His). This variant is present in population databases (rs751454480, gnomAD 0.0009%). This variant has not been reported in the literature in individuals affected with LAMB2-related conditions. Algorithms developed to predict the effect of missense changes on protein structure and function (SIFT, PolyPhen-2, Align-GVGD) all suggest that this variant is likely to be disruptive. In summary, the available evidence is currently insufficient to determine the role of this variant in disease. Therefore, it has been classified as a Variant of Uncertain Significance.

NM_002292.4(LAMB2):c.1316G>A (p.Arg439His)

Gene: LAMB2 (laminin subunit beta 2; minus strand). Cytogenetic location: 3p21.31.
Variant type: single nucleotide variant.
Coding change: c.1316G>A on transcript NM_002292.4 (MANE Select); coding-DNA position 1316, G replaced by A.
Protein change: p.Arg439His; replaces arginine 439 with histidine.
Molecular consequence: missense variant.
Genome position (GRCh38, 1-based): chr3:49,129,928, C>T on the plus strand (G>A on the coding strand, the complement: LAMB2 is on the minus strand). VCF-style: chr3-49129928-C-T. GRCh37 (hg19) VCF-style: chr3-49167361-C-T.
Other names: short protein forms R439H.
Identifiers: ClinVar variation 2150550 (VCV002150550.1), dbSNP rs751454480, ClinGen allele CA2394629.